The following is an entry in ClinVar:

ClinVar aggregate classification (germline): Conflicting classifications of pathogenicity. Review status: criteria provided, conflicting classifications (1 of 4 stars). 3 submissions from 3 submitters: Uncertain significance (2); Likely benign (1). Last evaluated 2025-12-19.

Conditions:
Inborn genetic diseases. Identifiers: MedGen C0950123, MeSH D030342.

Allele frequency attached by ClinVar (database versions not stated): gnomAD exomes 0.00002; ExAC 0.00004; gnomAD 0.00004; TOPMed 0.00007; ESP Exome Variant Server 0.00016.
gnomAD v4.1: 62 of 1,613,446 alleles (0.0038%); highest among the groups gnomAD compares: Non-Finnish European, 0.0048%; no homozygotes.

Submissions (3):

Labcorp Genetics (formerly Invitae), Labcorp
Classification: Likely benign. Last evaluated: 2025-12-19. Review status: criteria provided, single submitter. Criteria: Invitae Variant Classification Sherloc (09022015). Collection method: clinical testing. Allele origin: germline.

Ambry Genetics
Classification: Uncertain significance for Inborn genetic diseases. Last evaluated: 2023-07-12. Review status: criteria provided, single submitter. Criteria: Ambry Variant Classification Scheme 2023. Collection method: clinical testing. Allele origin: germline.

Centre of Medical Genetics, University Hospital Muenster
Classification: Uncertain significance. Last evaluated: 2021-12-08. Review status: criteria provided, single submitter. Criteria: ACMG Guidelines, 2015. Collection method: clinical testing. Allele origin: unknown. Affected: yes. Observed: 1 variant allele, 1 heterozygote.
Comment: ACMG categories: PM1,PP2

NM_001037333.3(CYFIP2):c.3382C>T (p.Arg1128Trp)

Genes: CYFIP2 (cytoplasmic FMR1 interacting protein 2; plus strand), NIPAL4-DT (NIPAL4 divergent transcript; minus strand). Cytogenetic location: 5q33.3.
Variant type: single nucleotide variant.
Coding change: c.3382C>T on transcript NM_001037333.3 (MANE Select); coding-DNA position 3382, C replaced by T.
Protein change: p.Arg1128Trp; replaces arginine 1128 with tryptophan.
Molecular consequence: missense variant.
Genome position (GRCh38, 1-based): chr5:157,389,363, C>T. VCF-style: chr5-157389363-C-T. GRCh37 (hg19) VCF-style: chr5-156816371-C-T.
Other names: c.3304C>T, p.Arg1102Trp (NM_001291721.2); c.3457C>T, p.Arg1153Trp (NM_001291722.2); c.3382C>T, p.Arg1128Trp (NM_014376.4); c.3382C>T (NM_001037333.1); short protein forms R1102W, R1153W, R1128W.
Identifiers: ClinVar variation 1390031 (VCV001390031.11), dbSNP rs376484231, ClinGen allele CA3534349.